The following is an entry in ClinVar:

ClinVar aggregate classification (germline): Uncertain significance. Review status: criteria provided, multiple submitters, no conflicts (2 of 4 stars). 2 submissions from 2 submitters: Uncertain significance (2). Last evaluated 2025-04-07.

Conditions:
Inborn genetic diseases. Identifiers: MedGen C0950123, MeSH D030342.

Allele frequency attached by ClinVar (database versions not stated): gnomAD exomes below 0.00001.
gnomAD v4.1: 5 of 1,614,058 alleles (0.00031%); highest among the groups gnomAD compares: Non-Finnish European, 0.00025%; no homozygotes.

Submissions (2):

Ambry Genetics
Classification: Uncertain significance for Inborn genetic diseases. Last evaluated: 2025-04-07. Review status: criteria provided, single submitter. Criteria: Ambry Variant Classification Scheme 2023. Collection method: clinical testing. Allele origin: germline.

Labcorp Genetics (formerly Invitae), Labcorp
Classification: Uncertain significance. Last evaluated: 2024-10-15. Review status: criteria provided, single submitter. Criteria: Invitae Variant Classification Sherloc (09022015). Collection method: clinical testing. Allele origin: germline.
Comment: This sequence change replaces isoleucine, which is neutral and non-polar, with valine, which is neutral and non-polar, at codon 2597 of the VCAN protein (p.Ile2597Val). This variant is present in population databases (no rsID available, gnomAD 0.0009%). This variant has not been reported in the literature in individuals affected with VCAN-related conditions. ClinVar contains an entry for this variant (Variation ID: 1522294). An algorithm developed to predict the effect of missense changes on protein structure and function (PolyPhen-2) suggests that this variant is likely to be tolerated. In summary, the available evidence is currently insufficient to determine the role of this variant in disease. Therefore, it has been classified as a Variant of Uncertain Significance.

NM_004385.5(VCAN):c.7789A>G (p.Ile2597Val)

Genes: VCAN (versican; plus strand), VCAN-AS1 (VCAN antisense RNA 1; minus strand). Cytogenetic location: 5q14.3.
Variant type: single nucleotide variant.
Coding change: c.7789A>G on transcript NM_004385.5 (MANE Select); coding-DNA position 7789, A replaced by G.
Protein change: p.Ile2597Val; replaces isoleucine 2597 with valine.
Molecular consequence: missense variant. On other transcripts: intron variant (2).
Genome position (GRCh38, 1-based): chr5:83,540,792, A>G. VCF-style: chr5-83540792-A-G. GRCh37 (hg19) VCF-style: chr5-82836611-A-G.
Other names: c.7789A>G (NM_004385.4); c.4828A>G, p.Ile1610Val (NM_001164097.2); c.4004-4745A>G (NM_001164098.2); c.1043-4745A>G (NM_001126336.3); short protein forms I1610V, I2597V.
Identifiers: ClinVar variation 1522294 (VCV001522294.7), dbSNP rs1226684088, ClinGen allele CA360315512.